The following is an entry in ClinVar:

NM_001111.5(ADAR):c.470C>T (p.Thr157Ile)

Gene: ADAR (adenosine deaminase RNA specific; minus strand). Cytogenetic location: 1q21.3.
Variant type: single nucleotide variant.
Coding change: c.470C>T on transcript NM_001111.5 (MANE Select); coding-DNA position 470, C replaced by T.
Protein change: p.Thr157Ile; replaces threonine 157 with isoleucine.
Molecular consequence: missense variant. On other transcripts: 5 prime UTR variant (6).
Genome position (GRCh38, 1-based): chr1:154,602,172, G>A on the plus strand (C>T on the coding strand, the complement: ADAR is on the minus strand). VCF-style: chr1-154602172-G-A. GRCh37 (hg19) VCF-style: chr1-154574648-G-A.
Other names: c.-416C>T (NM_001025107.3, NM_001193495.2, NM_001365046.1 and 3 more transcripts); c.497C>T, p.Thr166Ile (NM_001365045.1); c.470C>T, p.Thr157Ile (NM_015840.4, NM_015841.4); short protein forms T157I, T166I.
Identifiers: ClinVar variation 2947182 (VCV002947182.3), dbSNP rs1456998001, ClinGen allele CA342602317.

ClinVar aggregate classification (germline): Uncertain significance (1 of 4 stars; one submission).

Conditions:
Symmetrical dyschromatosis of extremities (DSH). Also called: RETICULATE ACROPIGMENTATION OF DOHI; SYMMETRIC DYSCHROMATOSIS OF THE EXTREMITIES; DYSCHROMATOSIS SYMMETRICA HEREDITARIA 1; Dyschromatosis symmetrica hereditaria. Identifiers: Orphanet 41, MedGen C0406775, MONDO:0007483, OMIM 127400.
Aicardi-Goutieres syndrome 6 (AGS6). Identifiers: Orphanet 51, MedGen C3539013, MONDO:0014007, OMIM 615010.

Allele frequency attached by ClinVar (database versions not stated): gnomAD exomes below 0.00001; TOPMed below 0.00001.

Submission:

Labcorp Genetics (formerly Invitae), Labcorp
Classification: Uncertain significance for Aicardi-Goutieres syndrome 6; Symmetrical dyschromatosis of extremities. Last evaluated: 2023-08-07. Review status: criteria provided, single submitter. Criteria: Invitae Variant Classification Sherloc (09022015). Collection method: clinical testing. Allele origin: germline.
Comment: This sequence change replaces threonine, which is neutral and polar, with isoleucine, which is neutral and non-polar, at codon 157 of the ADAR protein (p.Thr157Ile). This variant is present in population databases (no rsID available, gnomAD 0.007%). This variant has not been reported in the literature in individuals affected with ADAR-related conditions. An algorithm developed to predict the effect of missense changes on protein structure and function (PolyPhen-2) suggests that this variant is likely to be disruptive. In summary, the available evidence is currently insufficient to determine the role of this variant in disease. Therefore, it has been classified as a Variant of Uncertain Significance.